The following is an entry in ClinVar:

NM_003611.3(OFD1):c.17A>G (p.Asn6Ser)

Genes: OFD1 (OFD1 centriole and centriolar satellite protein; plus strand), LOC126863212 (CDK7 strongly-dependent group 2 enhancer GRCh37_chrX:13752241-13753440; plus strand). Cytogenetic location: Xp22.2.
Variant type: single nucleotide variant.
Coding change: c.17A>G on transcript NM_003611.3 (MANE Select); coding-DNA position 17, A replaced by G.
Protein change: p.Asn6Ser; replaces asparagine 6 with serine.
Molecular consequence: missense variant. On other transcripts: 5 prime UTR variant (1).
Genome position (GRCh38, 1-based): chrX:13,735,252, A>G. VCF-style: chrX-13735252-A-G. GRCh37 (hg19) VCF-style: chrX-13753371-A-G.
Other names: c.17A>G, p.Asn6Ser (NM_001330209.2); c.-529A>G (NM_001330210.2); short protein forms N6S.
Identifiers: ClinVar variation 2099476 (VCV002099476.4), dbSNP rs750370428, ClinGen allele CA10351513.

ClinVar aggregate classification (germline): Uncertain significance (1 of 4 stars; one submission).

Conditions:
Joubert syndrome. Also called: CEREBELLOPARENCHYMAL DISORDER IV; JOUBERT-BOLTSHAUSER SYNDROME; Familial aplasia of the vermis. Identifiers: Orphanet 475, MedGen C5979921, MONDO:0018772.
Orofaciodigital syndrome I (OFD1). Also called: OFDS I; Papillon-Leage and Psaume Syndrome; Oral-Facial-Digital Syndrome Type I. Identifiers: Orphanet 2750, MedGen C1510460, MONDO:0010702, OMIM 311200.

Allele frequency attached by ClinVar (database versions not stated): gnomAD exomes below 0.00001; ExAC 0.00001.
gnomAD v4.1: 3 of 1,211,009 alleles (0.00025%); highest among the groups gnomAD compares: Non-Finnish European, 0.00034%; no homozygotes.

Submission:

Labcorp Genetics (formerly Invitae), Labcorp
Classification: Uncertain significance for Orofaciodigital syndrome I; Joubert syndrome. Last evaluated: 2025-06-12. Review status: criteria provided, single submitter. Criteria: Invitae Variant Classification Sherloc (09022015). Collection method: clinical testing. Allele origin: germline.
Comment: This sequence change replaces asparagine, which is neutral and polar, with serine, which is neutral and polar, at codon 6 of the OFD1 protein (p.Asn6Ser). This variant is present in population databases (rs750370428, gnomAD 0.001%). This variant has not been reported in the literature in individuals affected with OFD1-related conditions. ClinVar contains an entry for this variant (Variation ID: 2099476). An algorithm developed to predict the effect of missense changes on protein structure and function (PolyPhen-2) suggests that this variant is likely to be tolerated. In summary, the available evidence is currently insufficient to determine the role of this variant in disease. Therefore, it has been classified as a Variant of Uncertain Significance.